The following is an entry in ClinVar:

NM_001111.5(ADAR):c.2080-3T>C

Gene: ADAR (adenosine deaminase RNA specific; minus strand). Cytogenetic location: 1q21.3.
Variant type: single nucleotide variant.
Coding change: c.2080-3T>C on transcript NM_001111.5 (MANE Select); 3 bases into the intron before coding-DNA position 2080, T replaced by C.
Molecular consequence: intron variant.
Genome position (GRCh38, 1-based): chr1:154,596,998, A>G on the plus strand (T>C on the coding strand, the complement: ADAR is on the minus strand). VCF-style: chr1-154596998-A-G. GRCh37 (hg19) VCF-style: chr1-154569474-A-G.
Other names: c.1195-3T>C (NM_001365046.1, NM_001025107.3, NM_001365048.1 and 3 more transcripts); c.2107-3T>C (NM_001365045.1); c.2080-60T>C (NM_015841.4); c.2080-3T>C (NM_015840.4).
Identifiers: ClinVar variation 1035551 (VCV001035551.8), dbSNP rs372190707, ClinGen allele CA30860423.

ClinVar aggregate classification (germline): Uncertain significance (1 of 4 stars; one submission).

Conditions:
Symmetrical dyschromatosis of extremities (DSH). Also called: Dyschromatosis symmetrica hereditaria; RETICULATE ACROPIGMENTATION OF DOHI; DYSCHROMATOSIS SYMMETRICA HEREDITARIA 1; SYMMETRIC DYSCHROMATOSIS OF THE EXTREMITIES. Identifiers: Orphanet 41, MedGen C0406775, MONDO:0007483, OMIM 127400.
Aicardi-Goutieres syndrome 6 (AGS6). Identifiers: Orphanet 51, MedGen C3539013, MONDO:0014007, OMIM 615010.

Allele frequency attached by ClinVar (database versions not stated): gnomAD exomes below 0.00001 and 0.00001; ESP Exome Variant Server 0.00008; TOPMed below 0.00001.
gnomAD v4.1: 10 of 1,614,200 alleles (0.00062%); highest among the groups gnomAD compares: Non-Finnish European, 0.00085%; no homozygotes.

Submission:

Labcorp Genetics (formerly Invitae), Labcorp
Classification: Uncertain significance for Aicardi-Goutieres syndrome 6; Symmetrical dyschromatosis of extremities. Last evaluated: 2025-12-20. Review status: criteria provided, single submitter. Criteria: Invitae Variant Classification Sherloc (09022015). Collection method: clinical testing. Allele origin: germline.
Comment: This sequence change falls in intron 5 of the ADAR gene. It does not directly change the encoded amino acid sequence of the ADAR protein. It affects a nucleotide within the consensus splice site. This variant is not present in population databases (gnomAD no frequency). This variant has not been reported in the literature in individuals affected with ADAR-related conditions. ClinVar contains an entry for this variant (Variation ID: 1035551). Variants that disrupt the consensus splice site are a relatively common cause of aberrant splicing (PMID: 17576681, 9536098). Algorithms developed to predict the effect of sequence changes on RNA splicing suggest that this variant is not likely to affect RNA splicing. In summary, the available evidence is currently insufficient to determine the role of this variant in disease. Therefore, it has been classified as a Variant of Uncertain Significance.

Literature cited by the submitters: PubMed 17576681; PubMed 9536098.